The following is an entry in ClinVar:

NM_006031.6(PCNT):c.5038A>T (p.Asn1680Tyr)

Gene: PCNT (pericentrin; plus strand). Cytogenetic location: 21q22.3.
Variant type: single nucleotide variant.
Coding change: c.5038A>T on transcript NM_006031.6 (MANE Select); coding-DNA position 5038, A replaced by T.
Protein change: p.Asn1680Tyr; replaces asparagine 1680 with tyrosine.
Molecular consequence: missense variant.
Genome position (GRCh38, 1-based): chr21:46,402,406, A>T. VCF-style: chr21-46402406-A-T. GRCh37 (hg19) VCF-style: chr21-47822320-A-T.
Other names: c.4684A>T, p.Asn1562Tyr (NM_001315529.2); short protein forms N1680Y, N1562Y.
Identifiers: ClinVar variation 1464043 (VCV001464043.5), dbSNP rs2147504560, ClinGen allele CA410581892.
Genomic context (GRCh38, chr21:46,402,406, plus strand): 5'-GAACAGCTAGAAAAGATGAAAGGTGACTTAGAAAGTAAAAATGAAGAAATACTACATCTG[A>T]ACTTAAAATTGGACATGCAGAACAGCCAGACTGCTGTCAGCCTCAGAGAACTTGAGGAAG-3'
Protein context (NP_006022.3, residues 1670-1690): ESKNEEILHL[Asn1680Tyr]LKLDMQNSQT

ClinVar aggregate classification (germline): Uncertain significance (1 of 4 stars; one submission).

gnomAD v4.1: 1 of 1,613,416 alleles (0.000062%); highest among the groups gnomAD compares: Non-Finnish European, 0.000085%; no homozygotes.

Submission:

Labcorp Genetics (formerly Invitae), Labcorp
Classification: Uncertain significance. Last evaluated: 2021-08-14. Review status: criteria provided, single submitter. Criteria: Invitae Variant Classification Sherloc (09022015). Collection method: clinical testing. Allele origin: germline.
Comment: This sequence change replaces asparagine with tyrosine at codon 1680 of the PCNT protein (p.Asn1680Tyr). The asparagine residue is weakly conserved and there is a large physicochemical difference between asparagine and tyrosine. This variant is not present in population databases (ExAC no frequency). This variant has not been reported in the literature in individuals affected with PCNT-related conditions. Algorithms developed to predict the effect of missense changes on protein structure and function are either unavailable or do not agree on the potential impact of this missense change (SIFT: "Deleterious"; PolyPhen-2: "Possibly Damaging"; Align-GVGD: "Class C0"). In summary, the available evidence is currently insufficient to determine the role of this variant in disease. Therefore, it has been classified as a Variant of Uncertain Significance.